The following is an entry in ClinVar:

ClinVar aggregate classification (germline): Conflicting classifications of pathogenicity. Review status: criteria provided, conflicting classifications (1 of 4 stars). 3 submissions from 3 submitters: Uncertain significance (2); Likely benign (1). Last evaluated 2026-08-18.

Conditions:
Acrocallosal syndrome (ACLS). Also called: Schinzel syndrome 1; Absence of corpus callosum with unusual facial appearance, mental deficiency, duplication of the halluces and polydactyly; HALLUX DUPLICATION, POSTAXIAL POLYDACTYLY, AND ABSENCE OF CORPUS CALLOSUM. Identifiers: Orphanet 36, MedGen C0796147, MONDO:0008708, OMIM 200990.
Hydrolethalus syndrome 2 (HLS2). Identifiers: Orphanet 2189, MedGen C3279899, MONDO:0013585, OMIM 614120.
Multiple epiphyseal dysplasia, Al-Gazali type. Also called: Macrocephaly with multiple epiphyseal dysplasia and distinctive facies. Identifiers: Orphanet 166024, MedGen C1846722, MONDO:0011778, OMIM 607131.
Inborn genetic diseases. Identifiers: MedGen C0950123, MeSH D030342.

Allele frequency attached by ClinVar (database versions not stated): gnomAD exomes 0.00001 and 0.00002; ExAC 0.00002; gnomAD 0.00001; TOPMed 0.00001.
gnomAD v4.1: 24 of 1,610,964 alleles (0.0015%); highest among the groups gnomAD compares: African/African-American, 0.0027%; no homozygotes.

Submissions (3):

Ambry Genetics
Classification: Likely benign for Inborn genetic diseases. Last evaluated: 2026-08-18. Review status: criteria provided, single submitter. Criteria: Ambry Variant Classification Scheme 2023. Collection method: clinical testing. Allele origin: germline.

Fulgent Genetics
Classification: Uncertain significance for Acrocallosal syndrome; Multiple epiphyseal dysplasia, Al-Gazali type; Hydrolethalus syndrome 2. Last evaluated: 2024-01-25. Review status: criteria provided, single submitter. Criteria: ACMG Guidelines, 2015. Collection method: clinical testing. Allele origin: germline.

Labcorp Genetics (formerly Invitae), Labcorp
Classification: Uncertain significance for Acrocallosal syndrome. Last evaluated: 2021-09-20. Review status: criteria provided, single submitter. Criteria: Invitae Variant Classification Sherloc (09022015). Collection method: clinical testing. Allele origin: germline.
Comment: This sequence change replaces glutamic acid with aspartic acid at codon 761 of the KIF7 protein (p.Glu761Asp). The glutamic acid residue is moderately conserved and there is a small physicochemical difference between glutamic acid and aspartic acid. This variant is present in population databases (rs758677022, ExAC 0.004%). This variant has not been reported in the literature in individuals affected with KIF7-related conditions. Algorithms developed to predict the effect of missense changes on protein structure and function (SIFT, PolyPhen-2, Align-GVGD) all suggest that this variant is likely to be tolerated. In summary, the available evidence is currently insufficient to determine the role of this variant in disease. Therefore, it has been classified as a Variant of Uncertain Significance.

NM_198525.3(KIF7):c.2283A>T (p.Glu761Asp)

Gene: KIF7 (kinesin family member 7; minus strand). Cytogenetic location: 15q26.1.
Variant type: single nucleotide variant.
Coding change: c.2283A>T on transcript NM_198525.3 (MANE Select); coding-DNA position 2283, A replaced by T.
Protein change: p.Glu761Asp; replaces glutamic acid 761 with aspartic acid.
Molecular consequence: missense variant.
Genome position (GRCh38, 1-based): chr15:89,642,314, T>A on the plus strand (A>T on the coding strand, the complement: KIF7 is on the minus strand). VCF-style: chr15-89642314-T-A. GRCh37 (hg19) VCF-style: chr15-90185545-T-A.
Other names: c.2283A>T (NM_198525.2); short protein forms E761D.
Identifiers: ClinVar variation 1506644 (VCV001506644.5), dbSNP rs758677022, ClinGen allele CA7728249.